The following is an entry in ClinVar:

NM_022765.4(MICAL1):c.1192-1G>A

Gene: MICAL1 (microtubule associated monooxygenase, calponin and LIM domain containing 1; minus strand). Cytogenetic location: 6q21.
Variant type: single nucleotide variant.
Coding change: c.1192-1G>A on transcript NM_022765.4 (MANE Select); the canonical splice acceptor site of the intron before coding-DNA position 1192, G replaced by A.
Molecular consequence: splice acceptor variant.
Genome position (GRCh38, 1-based): chr6:109,450,086, C>T on the plus strand (G>A on the coding strand, the complement: MICAL1 is on the minus strand). VCF-style: chr6-109450086-C-T. GRCh37 (hg19) VCF-style: chr6-109771289-C-T.
Other names: c.1249-1G>A (NM_001286613.2); c.934-1G>A (NM_001159291.2).
Identifiers: ClinVar variation 1397499 (VCV001397499.6), dbSNP rs1052781723, ClinGen allele CA145120292.

ClinVar aggregate classification (germline): Uncertain significance (1 of 4 stars; one submission).

Allele frequency attached by ClinVar (database versions not stated): gnomAD exomes 0.00001; gnomAD 0.00002; TOPMed 0.00002.

Submission:

Labcorp Genetics (formerly Invitae), Labcorp
Classification: Uncertain significance. Last evaluated: 2025-06-24. Review status: criteria provided, single submitter. Criteria: Invitae Variant Classification Sherloc (09022015). Collection method: clinical testing. Allele origin: germline.
Comment: This sequence change affects an acceptor splice site in intron 8 of the MICAL1 gene. It is expected to disrupt RNA splicing. Variants that disrupt the donor or acceptor splice site typically lead to a loss of protein function (PMID: 16199547), however the current clinical and genetic evidence is not sufficient to establish whether loss-of-function variants in MICAL1 cause disease. This variant is present in population databases (no rsID available, gnomAD 0.006%). This variant has not been reported in the literature in individuals affected with MICAL1-related conditions. ClinVar contains an entry for this variant (Variation ID: 1397499). Algorithms developed to predict the effect of sequence changes on RNA splicing suggest that this variant may disrupt the consensus splice site. In summary, the available evidence is currently insufficient to determine the role of this variant in disease. Therefore, it has been classified as a Variant of Uncertain Significance.

Literature cited by the submitters: PubMed 16199547.